The following is an entry in ClinVar:

ClinVar aggregate classification (germline): Uncertain significance (1 of 4 stars; one submission).

Conditions:
Breast-ovarian cancer, familial, susceptibility to, 2 (BROVCA2). Also called: BRCA2 Hereditary Breast and Ovarian Cancer. Identifiers: Orphanet 145, MedGen C2675520, MONDO:0012933, OMIM 612555. Disease mechanism: loss of function.

Submission:

All of Us Research Program, National Institutes of Health
Classification: Uncertain significance for Breast-ovarian cancer, familial, susceptibility to, 2. Last evaluated: 2023-04-03. Review status: criteria provided, single submitter. Criteria: ACMG Guidelines, 2015. Collection method: clinical testing. Allele origin: germline. Inheritance: Autosomal dominant inheritance. Observed: 1 variant allele, 1 heterozygote.
Comment: This missense variant replaces serine with threonine at codon 805 of the BRCA2 protein. Computational prediction suggests that this variant may not impact protein structure and function (internally defined REVEL score threshold <= 0.5, PMID: 27666373). To our knowledge, functional studies have not been reported for this variant. This variant has not been reported in individuals affected with hereditary cancer in the literature. This variant has not been identified in the general population by the Genome Aggregation Database (gnomAD). The available evidence is insufficient to determine the role of this variant in disease conclusively. Therefore, this variant is classified as a Variant of Uncertain Significance.

This study involves interpretation of variants in research participants for the purpose of population health screening. Participant phenotype was not available at the time of variant classification. Additional details can be found in publication PMID: 35346344, PMCID: PMC8962531

NM_000059.4(BRCA2):c.2413T>A (p.Ser805Thr)

Gene: BRCA2 (BRCA2 DNA repair associated; plus strand). Cytogenetic location: 13q13.1.
Variant type: single nucleotide variant.
Coding change: c.2413T>A on transcript NM_000059.4 (MANE Select); coding-DNA position 2413, T replaced by A.
Protein change: p.Ser805Thr; replaces serine 805 with threonine.
Molecular consequence: missense variant. On other transcripts: non-coding transcript variant (1), intron variant (2).
Genome position (GRCh38, 1-based): chr13:32,336,768, T>A. VCF-style: chr13-32336768-T-A. GRCh37 (hg19) VCF-style: chr13-32910905-T-A.
Other names: c.2413T>A, p.Ser805Thr (NM_001406719.1, NM_001406720.1); c.1909+3381T>A (NM_001406721.1); c.424+5738T>A (NM_001406722.1); short protein forms S805T.
Identifiers: ClinVar variation 3075622 (VCV003075622.1), dbSNP rs1593896883, ClinGen allele CA387772047.